The following is an entry in ClinVar:

NM_015909.4(NBAS):c.2423+404G>T

Gene: NBAS (NBAS subunit of NRZ tethering complex; minus strand). Cytogenetic location: 2p24.3.
Variant type: single nucleotide variant.
Coding change: c.2423+404G>T on transcript NM_015909.4 (MANE Select); 404 bases into the intron after coding-DNA position 2423, G replaced by T.
Molecular consequence: intron variant.
Genome position (GRCh38, 1-based): chr2:15,427,307, C>A on the plus strand (G>T on the coding strand, the complement: NBAS is on the minus strand). VCF-style: chr2-15427307-C-A. GRCh37 (hg19) VCF-style: chr2-15567431-C-A.
Identifiers: ClinVar variation 1387992 (VCV001387992.4), dbSNP rs1019313682, ClinGen allele CA42633972.

ClinVar aggregate classification (germline): Uncertain significance (1 of 4 stars; one submission).

Allele frequency attached by ClinVar (database versions not stated): TOPMed below 0.00001.

Submission:

Labcorp Genetics (formerly Invitae), Labcorp
Classification: Uncertain significance. Last evaluated: 2023-03-23. Review status: criteria provided, single submitter. Criteria: Invitae Variant Classification Sherloc (09022015). Collection method: clinical testing. Allele origin: germline.
Comment: In summary, the available evidence is currently insufficient to determine the role of this variant in disease. Therefore, it has been classified as a Variant of Uncertain Significance. Algorithms developed to predict the effect of sequence changes on RNA splicing suggest that this variant may create or strengthen a splice site. ClinVar contains an entry for this variant (Variation ID: 1387992). This variant has not been reported in the literature in individuals affected with NBAS-related conditions. This variant is not present in population databases (gnomAD no frequency). This sequence change falls in intron 22 of the NBAS gene. It does not directly change the encoded amino acid sequence of the NBAS protein.